The following is an entry in ClinVar:

ClinVar aggregate classification (germline): Likely benign (1 of 4 stars; one submission).

Submission:

CeGaT Center for Human Genetics Tuebingen
Classification: Likely benign. Last evaluated: 2022-11-01. Review status: criteria provided, single submitter. Criteria: CeGaT Center For Human Genetics Tuebingen Variant Classification Criteria Version 2. Collection method: clinical testing. Allele origin: germline. Affected: yes. Observed: 1 variant allele.
Comment: TTN: PM2:Supporting, BP4, BP7

NM_001267550.2(TTN):c.86499T>C (p.Ala28833=)

Genes: TTN (titin; minus strand), TTN-AS1 (TTN antisense RNA 1; plus strand). Cytogenetic location: 2q31.2.
Variant type: single nucleotide variant.
Coding change: c.86499T>C on transcript NM_001267550.2 (MANE Select); coding-DNA position 86499, T replaced by C.
Protein change: p.Ala28833=; no amino-acid change (alanine 28833 retained).
Molecular consequence: synonymous variant.
Genome position (GRCh38, 1-based): chr2:178,559,633, A>G on the plus strand (T>C on the coding strand, the complement: TTN is on the minus strand). VCF-style: chr2-178559633-A-G. GRCh37 (hg19) VCF-style: chr2-179424360-A-G.
Other names: c.81576T>C, p.Ala27192= (NM_001256850.1); c.59304T>C, p.Ala19768= (NM_003319.4); c.78795T>C, p.Ala26265= (NM_133378.4); c.59679T>C, p.Ala19893= (NM_133432.3); c.59880T>C, p.Ala19960= (NM_133437.4).
Identifiers: ClinVar variation 1879498 (VCV001879498.29), dbSNP rs2469625614, ClinGen allele CA430247944.